The following is an entry in ClinVar:

ClinVar aggregate classification (germline): Likely benign (1 of 4 stars; one submission).

Conditions:
LRRC45-related disorder. Also called: LRRC45-related condition.

gnomAD v4.1: 1 of 1,612,806 alleles (0.000062%); highest among the groups gnomAD compares: Non-Finnish European, 0.000085%; no homozygotes.

Submission:

PreventionGenetics, part of Exact Sciences
Classification: Likely benign for LRRC45-related condition. Last evaluated: 2026-03-28. Review status: criteria provided, single submitter. Criteria: ACMG Guidelines, 2015. Collection method: clinical testing. Allele origin: germline.
Comment: This variant is classified as likely benign based on ACMG/AMP sequence variant interpretation guidelines (Richards et al. 2015 PMID: 25741868, with internal and published modifications).

NM_144999.4(LRRC45):c.1238-4C>G

Gene: LRRC45 (leucine rich repeat containing 45; plus strand). Cytogenetic location: 17q25.3.
Variant type: single nucleotide variant.
Coding change: c.1238-4C>G on transcript NM_144999.4 (MANE Select); 4 bases into the intron before coding-DNA position 1238, C replaced by G.
Molecular consequence: intron variant.
Genome position (GRCh38, 1-based): chr17:82,028,609, C>G. VCF-style: chr17-82028609-C-G. GRCh37 (hg19) VCF-style: chr17-79986485-C-G.
Identifiers: ClinVar variation 4997315 (VCV004997315.1).